The following is an entry in ClinVar:

NM_001145252.3(CFP):c.1360C>T (p.Pro454Ser)

Gene: CFP (complement factor properdin; minus strand). Cytogenetic location: Xp11.23.
Variant type: single nucleotide variant.
Coding change: c.1360C>T on transcript NM_001145252.3 (MANE Select); coding-DNA position 1360, C replaced by T.
Protein change: p.Pro454Ser; replaces proline 454 with serine.
Molecular consequence: missense variant.
Genome position (GRCh38, 1-based): chrX:47,624,325, G>A on the plus strand (C>T on the coding strand, the complement: CFP is on the minus strand). VCF-style: chrX-47624325-G-A. GRCh37 (hg19) VCF-style: chrX-47483724-G-A.
Other names: c.1360C>T, p.Pro454Ser (NM_002621.2); short protein forms P454S.
Identifiers: ClinVar variation 2190380 (VCV002190380.5), dbSNP rs768994510, ClinGen allele CA412834268.

ClinVar aggregate classification (germline): Uncertain significance. Review status: criteria provided, multiple submitters, no conflicts (2 of 4 stars). 2 submissions from 2 submitters: Uncertain significance (2). Last evaluated 2025-12-22.

Conditions:
Inborn genetic diseases. Identifiers: MedGen C0950123, MeSH D030342.

gnomAD v4.1: 34 of 1,210,577 alleles (0.0028%); highest among the groups gnomAD compares: Non-Finnish European, 0.0031%; no homozygotes.

Submissions (2):

Labcorp Genetics (formerly Invitae), Labcorp
Classification: Uncertain significance. Last evaluated: 2025-12-22. Review status: criteria provided, single submitter. Criteria: Invitae Variant Classification Sherloc (09022015). Collection method: clinical testing. Allele origin: germline.
Comment: This sequence change replaces proline, which is neutral and non-polar, with serine, which is neutral and polar, at codon 454 of the CFP protein (p.Pro454Ser). This variant is not present in population databases (gnomAD no frequency). This variant has not been reported in the literature in individuals affected with CFP-related conditions. ClinVar contains an entry for this variant (Variation ID: 2190380). An algorithm developed to predict the effect of missense changes on protein structure and function (PolyPhen-2) suggests that this variant is likely to be tolerated. In summary, the available evidence is currently insufficient to determine the role of this variant in disease. Therefore, it has been classified as a Variant of Uncertain Significance.

Ambry Genetics
Classification: Uncertain significance for Inborn genetic diseases. Last evaluated: 2024-01-17. Review status: criteria provided, single submitter. Criteria: Ambry Variant Classification Scheme 2023. Collection method: clinical testing. Allele origin: germline.